The following is an entry in ClinVar:

ClinVar aggregate classification (germline): Uncertain significance (1 of 4 stars; one submission).

Conditions:
Inborn genetic diseases. Identifiers: MedGen C0950123, MeSH D030342.

Allele frequency attached by ClinVar (database versions not stated): gnomAD 0.00001; gnomAD exomes 0.00001.
gnomAD v4.1: 8 of 1,612,680 alleles (0.0005%); highest among the groups gnomAD compares: Non-Finnish European, 0.00068%; no homozygotes.

Submission:

Ambry Genetics
Classification: Uncertain significance for Inborn genetic diseases. Last evaluated: 2024-09-23. Review status: criteria provided, single submitter. Criteria: Ambry Variant Classification Scheme 2023. Collection method: clinical testing. Allele origin: germline.
Comment: The p.P1683A variant (also known as c.5047C>G), located in coding exon 35 of the LRRK2 gene, results from a C to G substitution at nucleotide position 5047. The proline at codon 1683 is replaced by alanine, an amino acid with highly similar properties. This amino acid position is conserved. In addition, the in silico prediction for this alteration is inconclusive. Since supporting evidence is limited at this time, the clinical significance of this alteration remains unclear.

NM_198578.4(LRRK2):c.5047C>G (p.Pro1683Ala)

Gene: LRRK2 (leucine rich repeat kinase 2; plus strand). Cytogenetic location: 12q12.
Variant type: single nucleotide variant.
Coding change: c.5047C>G on transcript NM_198578.4 (MANE Select); coding-DNA position 5047, C replaced by G.
Protein change: p.Pro1683Ala; replaces proline 1683 with alanine.
Molecular consequence: missense variant.
Genome position (GRCh38, 1-based): chr12:40,321,065, C>G. VCF-style: chr12-40321065-C-G. GRCh37 (hg19) VCF-style: chr12-40714867-C-G.
Other names: short protein forms P1683A.
Identifiers: ClinVar variation 1744982 (VCV001744982.3), dbSNP rs1945386499, ClinGen allele CA384419873.